The following is an entry in ClinVar:

ClinVar aggregate classification (germline): Pathogenic (1 of 4 stars; one submission).

Conditions:
Epidermolysis bullosa simplex 3, localized or generalized intermediate, with BP230 deficiency (EBS3). Also called: Epidermolysis bullosa simplex, autosomal recessive 2; Epidermolysis bullosa simplex due to BP230 deficiency. Identifiers: Orphanet 412181, MedGen C3809470, MONDO:0014180, OMIM 615425.
Hereditary sensory and autonomic neuropathy type 6. Also called: Neuropathy, hereditary sensory and autonomic, type VI; HSAN VI. Identifiers: Orphanet 314381, MedGen C3539003, MONDO:0013839, OMIM 614653.

Submission:

Labcorp Genetics (formerly Invitae), Labcorp
Classification: Pathogenic for Epidermolysis bullosa simplex 3, localized or generalized intermediate, with BP230 deficiency; Hereditary sensory and autonomic neuropathy type 6. Last evaluated: 2021-10-13. Review status: criteria provided, single submitter. Criteria: Invitae Variant Classification Sherloc (09022015). Collection method: clinical testing. Allele origin: germline.
Comment: For these reasons, this variant has been classified as Pathogenic. This variant has not been reported in the literature in individuals affected with DST-related conditions. This variant is not present in population databases (gnomAD no frequency). This sequence change creates a premature translational stop signal (p.Glu4129*) in the DST gene. It is expected to result in an absent or disrupted protein product. Loss-of-function variants in DST are known to be pathogenic (PMID: 22522446, 25059916, 30371979). The DST gene has multiple clinically relevant transcripts. This variant occurs in alternate transcript NM_015548.4, and corresponds to NM_001723.5:c.*121367G>T in the primary transcript.

Literature cited by the submitters: PubMed 22522446; PubMed 25059916; PubMed 30371979.

NM_001374736.1(DST):c.20254G>T (p.Glu6752Ter)

Gene: DST (dystonin; minus strand). Cytogenetic location: 6p12.1.
Variant type: single nucleotide variant.
Coding change: c.20254G>T on transcript NM_001374736.1 (MANE Select); coding-DNA position 20254, G replaced by T.
Protein change: p.Glu6752Ter; replaces glutamic acid 6752 with a stop codon.
Molecular consequence: nonsense.
Genome position (GRCh38, 1-based): chr6:56,494,150, C>A on the plus strand (G>T on the coding strand, the complement: DST is on the minus strand). VCF-style: chr6-56494150-C-A. GRCh37 (hg19) VCF-style: chr6-56358948-C-A.
Other names: c.13036G>T, p.Glu4346Ter (NM_001374730.1); c.20281G>T, p.Glu6761Ter (NM_001374734.1); c.13363G>T, p.Glu4455Ter (NM_001386100.1, NM_183380.4); c.12385G>T, p.Glu4129Ter (NM_015548.5); c.13897G>T, p.Glu4633Ter (NM_001144769.5); c.13483G>T, p.Glu4495Ter (NM_001144770.2); c.20254G>T, p.Glu6752Ter (NM_001374722.1); c.19294G>T, p.Glu6432Ter (NM_001374729.1); short protein forms E4129*, E4495*, E6432*, E6752*, E4455*, E6761*, E4346*, E4633*.
Identifiers: ClinVar variation 1452921 (VCV001452921.6), dbSNP rs1480207376, ClinGen allele CA364517817.